The following is an entry in ClinVar:

NM_153240.5(NPHP3):c.3563A>G (p.Lys1188Arg)

Genes: NPHP3 (nephrocystin 3; minus strand), NPHP3-ACAD11 (NPHP3-ACAD11 readthrough (NMD candidate); minus strand). Cytogenetic location: 3q22.1.
Variant type: single nucleotide variant.
Coding change: c.3563A>G on transcript NM_153240.5 (MANE Select); coding-DNA position 3563, A replaced by G.
Protein change: p.Lys1188Arg; replaces lysine 1188 with arginine.
Molecular consequence: missense variant. On other transcripts: non-coding transcript variant (1).
Genome position (GRCh38, 1-based): chr3:132,684,561, T>C on the plus strand (A>G on the coding strand, the complement: NPHP3 is on the minus strand). VCF-style: chr3-132684561-T-C. GRCh37 (hg19) VCF-style: chr3-132403405-T-C.
Other names: short protein forms K1188R.
Identifiers: ClinVar variation 343376 (VCV000343376.11), dbSNP rs772079066, ClinGen allele CA2621723.

ClinVar aggregate classification (germline): Uncertain significance. Review status: criteria provided, multiple submitters, no conflicts (2 of 4 stars). 7 submissions from 5 submitters: Uncertain significance (7). Last evaluated 2025-10-29.

Conditions:
Nephronophthisis. Also called: Juvenile Nephronophthisis. Identifiers: Orphanet 655, MedGen C0687120, MONDO:0019005, HP:0000090.
Renal-hepatic-pancreatic dysplasia 1 (RHPD1). Identifiers: MedGen C3715199, MONDO:0008833, OMIM 208540.
NPHP3-related Meckel-like syndrome. Also called: Meckel syndrome type 7; GOLDSTON SYNDROME. Identifiers: Orphanet 3032, MedGen C2673885, MONDO:0009966, OMIM 267010.
NPHP3-related disorder. Also called: NPHP3-related disorders; NPHP3-related condition. Identifiers: MedGen CN379163.
Nephronophthisis 3 (NPHP3). Also called: Adolescent nephronophthisis. Identifiers: Orphanet 655, MedGen C1858392, MONDO:0011456, OMIM 604387.

Allele frequency attached by ClinVar (database versions not stated): gnomAD 0.00001 and 0.00002; TOPMed 0.00002.
gnomAD v4.1: 105 of 1,613,858 alleles (0.0065%); highest among the groups gnomAD compares: Non-Finnish European, 0.0085%; 1 homozygote.

Submissions (7):

PreventionGenetics, part of Exact Sciences
Classification: Uncertain significance for NPHP3-related condition. Last evaluated: 2025-10-29. Review status: criteria provided, single submitter. Criteria: ACMG Guidelines, 2015. Collection method: clinical testing. Allele origin: germline.
Comment: The NPHP3 c.3563A>G variant is predicted to result in the amino acid substitution p.Lys1188Arg. To our knowledge, this variant has not been reported in the literature. This variant is reported in 0.0062% of alleles in individuals of European (Non-Finnish) descent in gnomAD. At this time, the clinical significance of this variant is uncertain due to the absence of conclusive functional and genetic evidence.

Fulgent Genetics
Classification: Uncertain significance for Renal-hepatic-pancreatic dysplasia 1; NPHP3-related Meckel-like syndrome; Nephronophthisis 3. Last evaluated: 2024-05-25. Review status: criteria provided, single submitter. Criteria: ACMG Guidelines, 2015. Collection method: clinical testing. Allele origin: germline.

Labcorp Genetics (formerly Invitae), Labcorp
Classification: Uncertain significance for Nephronophthisis. Last evaluated: 2022-11-07. Review status: criteria provided, single submitter. Criteria: Invitae Variant Classification Sherloc (09022015). Collection method: clinical testing. Allele origin: germline.
Comment: In summary, the available evidence is currently insufficient to determine the role of this variant in disease. Therefore, it has been classified as a Variant of Uncertain Significance. Advanced modeling of protein sequence and biophysical properties (such as structural, functional, and spatial information, amino acid conservation, physicochemical variation, residue mobility, and thermodynamic stability) performed at Invitae indicates that this missense variant is not expected to disrupt NPHP3 protein function. ClinVar contains an entry for this variant (Variation ID: 343376). This variant has not been reported in the literature in individuals affected with NPHP3-related conditions. This variant is present in population databases (rs772079066, gnomAD 0.007%). This sequence change replaces lysine, which is basic and polar, with arginine, which is basic and polar, at codon 1188 of the NPHP3 protein (p.Lys1188Arg).

GeneDx
Classification: Uncertain significance. Last evaluated: 2021-04-16. Review status: criteria provided, single submitter. Criteria: GeneDx Variant Classification Process June 2021. Collection method: clinical testing. Allele origin: germline. Affected: yes.
Comment: Not observed at a significant frequency in large population cohorts (Lek et al., 2016); In silico analysis supports that this missense variant does not alter protein structure/function; Has not been previously published as pathogenic or benign to our knowledge

Illumina Laboratory Services, Illumina
Classification: Uncertain significance for Nephronophthisis 3. Last evaluated: 2018-01-12. Review status: criteria provided, single submitter. Criteria: ICSL Variant Classification Criteria 13 December 2019. Collection method: clinical testing. Allele origin: germline.

Illumina Laboratory Services, Illumina
Classification: Uncertain significance for Renal-hepatic-pancreatic dysplasia 1. Last evaluated: 2018-01-12. Review status: criteria provided, single submitter. Criteria: ICSL Variant Classification Criteria 13 December 2019. Collection method: clinical testing. Allele origin: germline.

Illumina Laboratory Services, Illumina
Classification: Uncertain significance for NPHP3-related Meckel-like syndrome. Last evaluated: 2018-01-12. Review status: criteria provided, single submitter. Criteria: ICSL Variant Classification Criteria 13 December 2019. Collection method: clinical testing. Allele origin: germline.